The following is an entry in ClinVar:

NM_003797.5(EED):c.47C>T (p.Pro16Leu)

Gene: EED (embryonic ectoderm development; plus strand). Cytogenetic location: 11q14.2.
Variant type: single nucleotide variant.
Coding change: c.47C>T on transcript NM_003797.5 (MANE Select); coding-DNA position 47, C replaced by T.
Protein change: p.Pro16Leu; replaces proline 16 with leucine.
Molecular consequence: missense variant.
Genome position (GRCh38, 1-based): chr11:86,245,276, C>T. VCF-style: chr11-86245276-C-T. GRCh37 (hg19) VCF-style: chr11-85956318-C-T.
Other names: c.47C>T, p.Pro16Leu (NM_001308007.2, NM_001330334.2, NM_001440586.1 and 15 more transcripts); short protein forms P16L.
Identifiers: ClinVar variation 4752766 (VCV004752766.1).

ClinVar aggregate classification (germline): Uncertain significance (1 of 4 stars; one submission).

Conditions:
Cohen-Gibson syndrome (COGIS). Also called: EED-Related Overgrowth. Identifiers: Orphanet 659396, MedGen C4479654, MONDO:0060510, OMIM 617561.

gnomAD v4.1: 39 of 1,613,446 alleles (0.0024%); highest among the groups gnomAD compares: African/African-American, 0.011%; no homozygotes.

Submission:

Labcorp Genetics (formerly Invitae), Labcorp
Classification: Uncertain significance for Cohen-Gibson syndrome. Last evaluated: 2025-06-01. Review status: criteria provided, single submitter. Criteria: Invitae Variant Classification Sherloc (09022015). Collection method: clinical testing. Allele origin: germline.
Comment: This sequence change replaces proline, which is neutral and non-polar, with leucine, which is neutral and non-polar, at codon 16 of the EED protein (p.Pro16Leu). This variant is present in population databases (rs371991859, gnomAD 0.01%). This variant has not been reported in the literature in individuals affected with EED-related conditions. An algorithm developed to predict the effect of missense changes on protein structure and function (PolyPhen-2) suggests that this variant is likely to be tolerated. In summary, the available evidence is currently insufficient to determine the role of this variant in disease. Therefore, it has been classified as a Variant of Uncertain Significance.